The following is an entry in ClinVar:

NM_020928.2(ZSWIM6):c.710C>T (p.Ala237Val)

Gene: ZSWIM6 (zinc finger SWIM-type containing 6; plus strand). Cytogenetic location: 5q12.1.
Variant type: single nucleotide variant.
Coding change: c.710C>T on transcript NM_020928.2 (MANE Select); coding-DNA position 710, C replaced by T.
Protein change: p.Ala237Val; replaces alanine 237 with valine.
Molecular consequence: missense variant.
Genome position (GRCh38, 1-based): chr5:61,472,714, C>T. VCF-style: chr5-61472714-C-T. GRCh37 (hg19) VCF-style: chr5-60768541-C-T.
Other names: short protein forms A237V.
Identifiers: ClinVar variation 3612401 (VCV003612401.2).

ClinVar aggregate classification (germline): Uncertain significance (1 of 4 stars; one submission).

gnomAD v4.1: 1 of 1,545,624 alleles (0.000065%); highest among the groups gnomAD compares: Admixed American, 0.002%; no homozygotes.

Submission:

Labcorp Genetics (formerly Invitae), Labcorp
Classification: Uncertain significance. Last evaluated: 2024-04-10. Review status: criteria provided, single submitter. Criteria: Invitae Variant Classification Sherloc (09022015). Collection method: clinical testing. Allele origin: germline.
Comment: This sequence change replaces alanine, which is neutral and non-polar, with valine, which is neutral and non-polar, at codon 237 of the ZSWIM6 protein (p.Ala237Val). This variant is not present in population databases (gnomAD no frequency). This variant has not been reported in the literature in individuals affected with ZSWIM6-related conditions. Advanced modeling of protein sequence and biophysical properties (such as structural, functional, and spatial information, amino acid conservation, physicochemical variation, residue mobility, and thermodynamic stability) performed at Invitae indicates that this missense variant is not expected to disrupt ZSWIM6 protein function with a negative predictive value of 80%. In summary, the available evidence is currently insufficient to determine the role of this variant in disease. Therefore, it has been classified as a Variant of Uncertain Significance.